The following is an entry in ClinVar:

ClinVar aggregate classification (germline): Uncertain significance (1 of 4 stars; one submission).

Conditions:
Familial hemophagocytic lymphohistiocytosis 2 (FHL2). Also called: PRF1-Related Familial Hemophagocytic Lymphohistiocytosis (PRF1-fHLH). Identifiers: Orphanet 540, MedGen C1863727, MONDO:0011337, OMIM 603553.

Allele frequency attached by ClinVar (database versions not stated): gnomAD exomes 0.00001 and 0.00002; TOPMed 0.00002; ExAC 0.00004.

Submission:

Labcorp Genetics (formerly Invitae), Labcorp
Classification: Uncertain significance for Familial hemophagocytic lymphohistiocytosis 2. Last evaluated: 2022-07-05. Review status: criteria provided, single submitter. Criteria: Invitae Variant Classification Sherloc (09022015). Collection method: clinical testing. Allele origin: germline.
Comment: This sequence change replaces glycine, which is neutral and non-polar, with valine, which is neutral and non-polar, at codon 399 of the PRF1 protein (p.Gly399Val). This variant is present in population databases (rs749729753, gnomAD 0.01%). This variant has not been reported in the literature in individuals affected with PRF1-related conditions. ClinVar contains an entry for this variant (Variation ID: 1521250). Algorithms developed to predict the effect of missense changes on protein structure and function (SIFT, PolyPhen-2, Align-GVGD) all suggest that this variant is likely to be tolerated. In summary, the available evidence is currently insufficient to determine the role of this variant in disease. Therefore, it has been classified as a Variant of Uncertain Significance.

NM_001083116.3(PRF1):c.1196G>T (p.Gly399Val)

Gene: PRF1 (perforin 1; minus strand). Cytogenetic location: 10q22.1.
Variant type: single nucleotide variant.
Coding change: c.1196G>T on transcript NM_001083116.3 (MANE Select); coding-DNA position 1196, G replaced by T.
Protein change: p.Gly399Val; replaces glycine 399 with valine.
Molecular consequence: missense variant.
Genome position (GRCh38, 1-based): chr10:70,598,525, C>A on the plus strand (G>T on the coding strand, the complement: PRF1 is on the minus strand). VCF-style: chr10-70598525-C-A. GRCh37 (hg19) VCF-style: chr10-72358281-C-A.
Other names: c.1196G>T, p.Gly399Val (NM_005041.6); short protein forms G399V.
Identifiers: ClinVar variation 1521250 (VCV001521250.3), dbSNP rs749729753, ClinGen allele CA5538799.